The following is an entry in ClinVar:

NM_000342.4(SLC4A1):c.2243G>A (p.Gly748Glu)

Gene: SLC4A1 (solute carrier family 4 member 1 (Diego blood group); minus strand). Cytogenetic location: 17q21.31.
Variant type: single nucleotide variant.
Coding change: c.2243G>A on transcript NM_000342.4 (MANE Select); coding-DNA position 2243, G replaced by A.
Protein change: p.Gly748Glu; replaces glycine 748 with glutamic acid.
Molecular consequence: missense variant.
Genome position (GRCh38, 1-based): chr17:44,253,186, C>T on the plus strand (G>A on the coding strand, the complement: SLC4A1 is on the minus strand). VCF-style: chr17-44253186-C-T. GRCh37 (hg19) VCF-style: chr17-42330554-C-T.
Other names: short protein forms G748E.
Identifiers: ClinVar variation 323503 (VCV000323503.8), dbSNP rs886052996, ClinGen allele CA10650263.

ClinVar aggregate classification (germline): Uncertain significance. Review status: criteria provided, multiple submitters, no conflicts (2 of 4 stars). 5 submissions from 3 submitters: Uncertain significance (5). Last evaluated 2025-09-14.

Conditions:
Hereditary spherocytosis type 4. Also called: SLC4A1-Related Spherocytosis. Identifiers: Orphanet 822, MedGen C2675212, MONDO:0012981, OMIM 612653.
BLOOD GROUP--DIEGO SYSTEM (DI). Identifiers: MedGen C1292286, OMIM 110500.
BLOOD GROUP, WALDNER (WD). Also called: WALDNER BLOOD GROUP ANTIGEN. Identifiers: MedGen C1862191, OMIM 112010.
BLOOD GROUP--FROESE (FR). Also called: FROESE BLOOD GROUP ANTIGEN. Identifiers: MedGen C1832168, OMIM 601551.
BLOOD GROUP--WRIGHT ANTIGEN (WR). Identifiers: MedGen C1862190, OMIM 112050.
BLOOD GROUP--SWANN SYSTEM (SW). Also called: SWANN BLOOD GROUP. Identifiers: MedGen C1832169, OMIM 601550.
Cryohydrocytosis. Also called: CRYOHYDROCYTOSIS DUE TO BAND 3 HEMEL; CRYOHYDROCYTOSIS DUE TO BAND 3 HURSTPIERPOINT; CRYOHYDROCYTOSIS DUE TO BAND 3 BLACKBURN; STOMATOCYTOSIS, COLD-SENSITIVE; Hereditary cryohydrocytosis with normal stomatin. Identifiers: Orphanet 398088, MedGen C1861453, MONDO:0008494, OMIM 185020.
Autosomal dominant distal renal tubular acidosis (DRTA1). Also called: Renal Tubular Acidosis, Type I; RENAL TUBULAR ACIDOSIS, DISTAL, 1; RTA, CLASSIC TYPE; RTA, DISTAL TYPE, AUTOSOMAL DOMINANT; RTA, GRADIENT TYPE. Identifiers: Orphanet 93608, MedGen CN280572, MONDO:0008368, OMIM 179800.
Renal tubular acidosis, distal, 4, with hemolytic anemia. Also called: Renal Tubular Acidosis, Distal, with Hemolytic Anemia. Identifiers: Orphanet 93610, MedGen C5436235, MONDO:0012700, OMIM 611590.
Malaria, susceptibility to. Identifiers: Orphanet 673, MedGen C1970028, MONDO:0021024, OMIM 611162.
Southeast Asian ovalocytosis. Also called: HE, STOMATOCYTIC; Elliptocytosis 4; Stomatocytic elliptocytosis, hereditary; Ovalocytosis, Malaysian-Melanesian-Filipino type. Identifiers: Orphanet 98868, MedGen C1862322, MONDO:0008165, OMIM 166900.
Hemolytic anemia. Identifiers: MedGen C0002878, MONDO:0003664, HP:0001878.

Allele frequency attached by ClinVar (database versions not stated): gnomAD exomes below 0.00001; TOPMed 0.00001.
gnomAD v4.1: 1 of 1,613,896 alleles (0.000062%); highest among the groups gnomAD compares: Admixed American, 0.0017%; no homozygotes.

Submissions (5):

Labcorp Genetics (formerly Invitae), Labcorp
Classification: Uncertain significance. Last evaluated: 2025-09-14. Review status: criteria provided, single submitter. Criteria: Invitae Variant Classification Sherloc (09022015). Collection method: clinical testing. Allele origin: germline.
Comment: This sequence change replaces glycine, which is neutral and non-polar, with glutamic acid, which is acidic and polar, at codon 748 of the SLC4A1 protein (p.Gly748Glu). This variant is not present in population databases (gnomAD no frequency). This variant has not been reported in the literature in individuals affected with SLC4A1-related conditions. ClinVar contains an entry for this variant (Variation ID: 323503). Invitae Evidence Modeling of protein sequence and biophysical properties (such as structural, functional, and spatial information, amino acid conservation, physicochemical variation, residue mobility, and thermodynamic stability) indicates that this missense variant is expected to disrupt SLC4A1 protein function with a positive predictive value of 80%. In summary, the available evidence is currently insufficient to determine the role of this variant in disease. Therefore, it has been classified as a Variant of Uncertain Significance.

Fulgent Genetics
Classification: Uncertain significance for BLOOD GROUP--DIEGO SYSTEM; BLOOD GROUP, WALDNER; BLOOD GROUP--WRIGHT ANTIGEN; Southeast Asian ovalocytosis; Autosomal dominant distal renal tubular acidosis; Cryohydrocytosis; BLOOD GROUP--SWANN SYSTEM; BLOOD GROUP--FROESE; Malaria, susceptibility to; Renal tubular acidosis, distal, 4, with hemolytic anemia; Hereditary spherocytosis type 4. Last evaluated: 2024-06-20. Review status: criteria provided, single submitter. Criteria: ACMG Guidelines, 2015. Collection method: clinical testing. Allele origin: germline.

Illumina Laboratory Services, Illumina
Classification: Uncertain significance for Hereditary spherocytosis type 4. Last evaluated: 2018-01-13. Review status: criteria provided, single submitter. Criteria: ICSL Variant Classification Criteria 13 December 2019. Collection method: clinical testing. Allele origin: germline.

Illumina Laboratory Services, Illumina
Classification: Uncertain significance for Hemolytic anemia. Last evaluated: 2018-01-13. Review status: criteria provided, single submitter. Criteria: ICSL Variant Classification Criteria 13 December 2019. Collection method: clinical testing. Allele origin: germline.

Illumina Laboratory Services, Illumina
Classification: Uncertain significance for Autosomal dominant distal renal tubular acidosis. Last evaluated: 2018-01-13. Review status: criteria provided, single submitter. Criteria: ICSL Variant Classification Criteria 13 December 2019. Collection method: clinical testing. Allele origin: germline.